The following is an entry in ClinVar:

NM_001130987.2(DYSF):c.5458-2A>C

Gene: DYSF (dysferlin; plus strand). Cytogenetic location: 2p13.2.
Variant type: single nucleotide variant.
Coding change: c.5458-2A>C on transcript NM_001130987.2 (MANE Select); the canonical splice acceptor site of the intron before coding-DNA position 5458, A replaced by C.
Molecular consequence: splice acceptor variant.
Genome position (GRCh38, 1-based): chr2:71,668,752, A>C. VCF-style: chr2-71668752-A-C. GRCh37 (hg19) VCF-style: chr2-71895882-A-C.
Other names: c.5434-2A>C (NM_001130979.2); c.5455-2A>C (NM_001130981.2); c.5392-2A>C (NM_001130980.2); c.5404-2A>C (NM_001130978.2); c.5341-2A>C (NM_003494.4); c.5362-2A>C (NM_001130977.2); c.5299-2A>C (NM_001130976.2); c.5437-2A>C (NM_001130982.2); and 5 more.
Identifiers: ClinVar variation 94336 (VCV000094336.18), dbSNP rs398123792, ClinGen allele CA222184.

ClinVar aggregate classification (germline): Pathogenic. Review status: reviewed by expert panel (3 of 4 stars). 3 submissions from 3 submitters: Pathogenic (1). 2 of the submissions do not count toward it. Last evaluated 2026-01-23.

Conditions:
Autosomal recessive limb-girdle muscular dystrophy. Identifiers: Orphanet 102015, MedGen C2931907, MONDO:0015152.
Neuromuscular disease caused by qualitative or quantitative defects of dysferlin. Also called: Qualitative or quantitative defects of dysferlin; Dysferlinopathy. Identifiers: Orphanet 207073, MedGen C2931687, MONDO:0016145.

Allele frequency attached by ClinVar (database versions not stated): gnomAD exomes 0.00001; ExAC 0.00001.
gnomAD v4.1: 10 of 1,613,456 alleles (0.00062%); highest among the groups gnomAD compares: South Asian, 0.011%; no homozygotes.

Submissions (3):

ClinGen Limb Girdle Muscular Dystrophy Variant Curation Expert Panel, ClinGen
Classification: Pathogenic for Autosomal recessive limb-girdle muscular dystrophy. Last evaluated: 2026-01-23. Review status: reviewed by expert panel. Criteria: ClinGen LGMD VCEP ACMG Specifications DYSF V2.0.0. Collection method: curation. Allele origin: germline. Inheritance: Autosomal recessive inheritance.
Comment: The NM_003494.4: c.5341-2A>C variant in DYSF, which is also known as NM_001130987.2: c.5458-2A>C, occurs within the canonical splice acceptor site of intron 47 and is predicted to cause skipping of biologically relevant exon 48/55, resulting in a frameshift and premature truncation leading to nonsense mediated decay in a gene in which loss of function is an established disease mechanism (PVS1). This variant has been identified in three individuals with suspected LGMD, all in a homozygous state without reported consanguinity (1.0 pt, PMID: 30564623, LOVD Individual #00219434; PMID: 33927379, LOVD Individuals #00327560 and 00327561; PM3). At least one patient with a clinical suspicion of LGMD had absent dysferlin protein expression, which is highly specific for DYSF-related LGMD (PP4_Strong). The Grpmax frequency of this variant is 0.00011 in gnomAD v4.1.0 (10/90916 South Asian chromosomes), which is greater than the ClinGen LGMD VCEP threshold (≤0.0001) (PM2_Supporting not met). In summary, this variant meets the criteria to be classified as Pathogenic for autosomal recessive limb girdle muscular dystrophy based on the ACMG/AMP criteria applied, as specified by the ClinGen LGMD VCEP (specifications v2.0.0; 01/23/2026): PVS1, PP4_Strong, PM3.

Labcorp Genetics (formerly Invitae), Labcorp
Classification: Pathogenic for Neuromuscular disease caused by qualitative or quantitative defects of dysferlin. Last evaluated: 2024-02-14. Review status: criteria provided, single submitter. Criteria: Invitae Variant Classification Sherloc (09022015). Collection method: clinical testing. Allele origin: germline. Not counted in ClinVar's aggregate classification.
Comment: This sequence change affects an acceptor splice site in intron 47 of the DYSF gene. It is expected to disrupt RNA splicing. Variants that disrupt the donor or acceptor splice site typically lead to a loss of protein function (PMID: 16199547), and loss-of-function variants in DYSF are known to be pathogenic (PMID: 17698709, 20301480). This variant is present in population databases (rs398123792, gnomAD 0.01%). Disruption of this splice site has been observed in individual(s) with DYSF-related conditions (PMID: 19528035, 33610434). ClinVar contains an entry for this variant (Variation ID: 94336). Algorithms developed to predict the effect of sequence changes on RNA splicing suggest that this variant may disrupt the consensus splice site. For these reasons, this variant has been classified as Pathogenic.

Eurofins Ntd Llc (ga)
Classification: Pathogenic. Last evaluated: 2012-11-01. Review status: criteria provided, single submitter. Criteria: EGL Classification Definitions. Collection method: clinical testing. Allele origin: germline. Observed: 1 variant allele, 1 homozygote. Not counted in ClinVar's aggregate classification.

Literature cited by the submitters: PubMed 16199547 (cited by Labcorp Genetics (formerly Invitae), Labcorp); PubMed 17698709 (cited by Labcorp Genetics (formerly Invitae), Labcorp); PubMed 20301480 (cited by Labcorp Genetics (formerly Invitae), Labcorp); PubMed 19528035 (cited by Labcorp Genetics (formerly Invitae), Labcorp); PubMed 33610434 (cited by Labcorp Genetics (formerly Invitae), Labcorp).